The following is an entry in ClinVar:

NM_144499.3(GNAT1):c.278A>G (p.Asp93Gly)

Gene: GNAT1 (G protein subunit alpha transducin 1; plus strand). Cytogenetic location: 3p21.31.
Variant type: single nucleotide variant.
Coding change: c.278A>G on transcript NM_144499.3 (MANE Select); coding-DNA position 278, A replaced by G.
Protein change: p.Asp93Gly; replaces aspartic acid 93 with glycine.
Molecular consequence: missense variant.
Genome position (GRCh38, 1-based): chr3:50,193,393, A>G. VCF-style: chr3-50193393-A-G. GRCh37 (hg19) VCF-style: chr3-50230826-A-G.
Other names: c.278A>G, p.Asp93Gly (NM_000172.4); short protein forms D93G.
Identifiers: ClinVar variation 948332 (VCV000948332.6), dbSNP rs772876090, ClinGen allele CA352913977.

ClinVar aggregate classification (germline): Uncertain significance (1 of 4 stars; one submission).

Submission:

Labcorp Genetics (formerly Invitae), Labcorp
Classification: Uncertain significance. Last evaluated: 2023-12-22. Review status: criteria provided, single submitter. Criteria: Invitae Variant Classification Sherloc (09022015). Collection method: clinical testing. Allele origin: germline.
Comment: This sequence change replaces aspartic acid, which is acidic and polar, with glycine, which is neutral and non-polar, at codon 93 of the GNAT1 protein (p.Asp93Gly). This variant is not present in population databases (gnomAD no frequency). This variant has not been reported in the literature in individuals affected with GNAT1-related conditions. ClinVar contains an entry for this variant (Variation ID: 948332). Advanced modeling of protein sequence and biophysical properties (such as structural, functional, and spatial information, amino acid conservation, physicochemical variation, residue mobility, and thermodynamic stability) performed at Invitae indicates that this missense variant is not expected to disrupt GNAT1 protein function with a negative predictive value of 80%. In summary, the available evidence is currently insufficient to determine the role of this variant in disease. Therefore, it has been classified as a Variant of Uncertain Significance.